The following is an entry in ClinVar:

NM_015650.4(TRAF3IP1):c.1483A>G (p.Ile495Val)

Gene: TRAF3IP1 (TRAF3 interacting protein 1; plus strand). Cytogenetic location: 2q37.3.
Variant type: single nucleotide variant.
Coding change: c.1483A>G on transcript NM_015650.4 (MANE Select); coding-DNA position 1483, A replaced by G.
Protein change: p.Ile495Val; replaces isoleucine 495 with valine.
Molecular consequence: missense variant.
Genome position (GRCh38, 1-based): chr2:238,352,858, A>G. VCF-style: chr2-238352858-A-G. GRCh37 (hg19) VCF-style: chr2-239261499-A-G.
Other names: c.1285A>G, p.Ile429Val (NM_001139490.1); short protein forms I429V, I495V.
Identifiers: ClinVar variation 3622616 (VCV003622616.2).

ClinVar aggregate classification (germline): Uncertain significance (1 of 4 stars; one submission).

gnomAD v4.1: 9 of 1,613,272 alleles (0.00056%); highest among the groups gnomAD compares: Admixed American, 0.015%; no homozygotes.

Submission:

Labcorp Genetics (formerly Invitae), Labcorp
Classification: Uncertain significance. Last evaluated: 2025-01-30. Review status: criteria provided, single submitter. Criteria: Invitae Variant Classification Sherloc (09022015). Collection method: clinical testing. Allele origin: germline.
Comment: This sequence change replaces isoleucine, which is neutral and non-polar, with valine, which is neutral and non-polar, at codon 495 of the TRAF3IP1 protein (p.Ile495Val). This variant is present in population databases (rs747324230, gnomAD 0.01%). This variant has not been reported in the literature in individuals affected with TRAF3IP1-related conditions. Invitae Evidence Modeling of protein sequence and biophysical properties (such as structural, functional, and spatial information, amino acid conservation, physicochemical variation, residue mobility, and thermodynamic stability) indicates that this missense variant is expected to disrupt TRAF3IP1 protein function with a positive predictive value of 80%. In summary, the available evidence is currently insufficient to determine the role of this variant in disease. Therefore, it has been classified as a Variant of Uncertain Significance.